The following is an entry in ClinVar:

ClinVar aggregate classification (germline): Uncertain significance (0 of 4 stars; one submission).

Conditions:
SPRTN-related disorder. Also called: SPRTN-related condition.

Allele frequency attached by ClinVar (database versions not stated): TOPMed 0.00002; ExAC 0.00004; gnomAD 0.00005; gnomAD exomes 0.00009; 1000 Genomes Project 30x 0.00016; 1000 Genomes Project 0.00020.
gnomAD v4.1: 140 of 1,613,332 alleles (0.0087%); highest among the groups gnomAD compares: East Asian, 0.31%; 1 homozygote.

Submission:

PreventionGenetics, part of Exact Sciences
Classification: Uncertain significance for SPRTN-related condition. Last evaluated: 2023-10-26. Review status: no assertion criteria provided. Collection method: clinical testing. Allele origin: germline.
Comment: The SPRTN c.1393G>A variant is predicted to result in the amino acid substitution p.Glu465Lys. To our knowledge, this variant has not been reported in the literature. This variant is reported in 0.055% of alleles in individuals of East Asian descent in gnomAD, which may be too common to be an undocumented primary cause of disease. Although we suspect that this variant may be benign, at this time, the clinical significance of this variant is uncertain due to the absence of conclusive functional and genetic evidence.

NM_032018.7(SPRTN):c.1393G>A (p.Glu465Lys)

Gene: SPRTN (SprT-like N-terminal domain; plus strand). Cytogenetic location: 1q42.2.
Variant type: single nucleotide variant.
Coding change: c.1393G>A on transcript NM_032018.7 (MANE Select); coding-DNA position 1393, G replaced by A.
Protein change: p.Glu465Lys; replaces glutamic acid 465 with lysine.
Molecular consequence: missense variant. On other transcripts: 3 prime UTR variant (2).
Genome position (GRCh38, 1-based): chr1:231,353,284, G>A. VCF-style: chr1-231353284-G-A. GRCh37 (hg19) VCF-style: chr1-231489030-G-A.
Other names: c.*1678G>A (NM_001010984.4, NM_001261462.3); short protein forms E465K.
Identifiers: ClinVar variation 3032049 (VCV003032049.2), dbSNP rs188253824, ClinGen allele CA1452920.